The following is an entry in ClinVar:

NM_004168.4(SDHA):c.1013C>G (p.Ala338Gly)

Gene: SDHA (succinate dehydrogenase complex flavoprotein subunit A; plus strand). Cytogenetic location: 5p15.33.
Variant type: single nucleotide variant.
Coding change: c.1013C>G on transcript NM_004168.4 (MANE Select); coding-DNA position 1013, C replaced by G.
Protein change: p.Ala338Gly; replaces alanine 338 with glycine.
Molecular consequence: missense variant.
Genome position (GRCh38, 1-based): chr5:233,594, C>G. VCF-style: chr5-233594-C-G. GRCh37 (hg19) VCF-style: chr5-233709-C-G.
Other names: c.869C>G, p.Ala290Gly (NM_001294332.2); c.1013C>G, p.Ala338Gly (NM_001330758.2); short protein forms A338G, A290G.
Identifiers: ClinVar variation 2926638 (VCV002926638.3), dbSNP rs1560994866, ClinGen allele CA359012866.

ClinVar aggregate classification (germline): Uncertain significance (1 of 4 stars; one submission).

Conditions:
Mitochondrial complex II deficiency, nuclear type 1. Also called: SUCCINATE CoQ REDUCTASE DEFICIENCY. Identifiers: Orphanet 3208, MedGen C5700310, MONDO:0100294, OMIM 252011.
Pheochromocytoma/paraganglioma syndrome 5. Also called: Paragangliomas 5; SDHA-Related Hereditary Paraganglioma-Pheochromocytoma Syndrome. Identifiers: Orphanet 29072, MedGen C3279992, MONDO:0013602, OMIM 614165.

Submission:

Labcorp Genetics (formerly Invitae), Labcorp
Classification: Uncertain significance for Pheochromocytoma/paraganglioma syndrome 5; Mitochondrial complex II deficiency, nuclear type 1. Last evaluated: 2023-07-26. Review status: criteria provided, single submitter. Criteria: Invitae Variant Classification Sherloc (09022015). Collection method: clinical testing. Allele origin: germline.
Comment: In summary, the available evidence is currently insufficient to determine the role of this variant in disease. Therefore, it has been classified as a Variant of Uncertain Significance. Advanced modeling of protein sequence and biophysical properties (such as structural, functional, and spatial information, amino acid conservation, physicochemical variation, residue mobility, and thermodynamic stability) has been performed at Invitae for this missense variant, however the output from this modeling did not meet the statistical confidence thresholds required to predict the impact of this variant on SDHA protein function. This variant has not been reported in the literature in individuals affected with SDHA-related conditions. This variant is not present in population databases (gnomAD no frequency). This sequence change replaces alanine, which is neutral and non-polar, with glycine, which is neutral and non-polar, at codon 338 of the SDHA protein (p.Ala338Gly).